The following is an entry in ClinVar:

ClinVar aggregate classification (germline): Uncertain significance. Review status: criteria provided, multiple submitters, no conflicts (2 of 4 stars). 2 submissions from 2 submitters: Uncertain significance (2). Last evaluated 2024-09-23.

Conditions:
Cardiomyopathy (CMYO). Also called: Cardiomyopathies. Identifiers: Orphanet 167848, MedGen C0878544, MONDO:0004994, HP:0001638. Inheritance: Various modes of inheritance.
Cardiovascular phenotype. Identifiers: MedGen CN230736.

Allele frequency attached by ClinVar (database versions not stated): gnomAD exomes below 0.00001.

Submissions (2):

All of Us Research Program, National Institutes of Health
Classification: Uncertain significance for Cardiomyopathy. Last evaluated: 2024-09-23. Review status: criteria provided, single submitter. Criteria: ACMG Guidelines, 2015. Collection method: clinical testing. Allele origin: germline. Inheritance: Autosomal dominant inheritance. Observed: 2 variant alleles, 2 heterozygotes.
Comment: This study involves interpretation of variants in research participants for the purpose of population health screening. Participant phenotype was not available at the time of variant classification. Additional details can be found in publication PMID: 35346344, PMCID: PMC8962531

Ambry Genetics
Classification: Uncertain significance for Cardiovascular phenotype. Last evaluated: 2019-10-11. Review status: criteria provided, single submitter. Criteria: Ambry Variant Classification Scheme 2023. Collection method: clinical testing. Allele origin: germline.
Comment: The p.A7T variant (also known as c.19G>A), located in coding exon 1 of the MYH7 gene, results from a G to A substitution at nucleotide position 19. The alanine at codon 7 is replaced by threonine, an amino acid with similar properties. This amino acid position is not well conserved in available vertebrate species. In addition, this alteration is predicted to be tolerated by in silico analysis. Since supporting evidence is limited at this time, the clinical significance of this alteration remains unclear.

NM_000257.4(MYH7):c.19G>A (p.Ala7Thr)

Gene: MYH7 (myosin heavy chain 7; minus strand). Cytogenetic location: 14q11.2.
Variant type: single nucleotide variant.
Coding change: c.19G>A on transcript NM_000257.4 (MANE Select); coding-DNA position 19, G replaced by A.
Protein change: p.Ala7Thr; replaces alanine 7 with threonine.
Molecular consequence: missense variant.
Genome position (GRCh38, 1-based): chr14:23,433,714, C>T on the plus strand (G>A on the coding strand, the complement: MYH7 is on the minus strand). VCF-style: chr14-23433714-C-T. GRCh37 (hg19) VCF-style: chr14-23902923-C-T.
Other names: c.19G>A, p.Ala7Thr (NM_001407004.1); short protein forms A7T.
Identifiers: ClinVar variation 1784157 (VCV001784157.3), dbSNP rs2502322986, ClinGen allele CA389054197.